The following is an entry in ClinVar:

ClinVar aggregate classification (germline): Uncertain significance (1 of 4 stars; one submission).

Conditions:
X-linked intellectual disability with marfanoid habitus. Also called: X-linked mental retardation with marfanoid habitus syndrome; INTELLECTUAL DEVELOPMENTAL DISORDER, X-LINKED, SYNDROMIC, LUJAN-FRYNS TYPE; Lujan Syndrome; Lujan Syndrome (LS). Identifiers: Orphanet 776, MedGen C0796022, MONDO:0010655, OMIM 309520.
MED12-related intellectual disability syndrome. Identifiers: MedGen CN305246, MONDO:0100000.
Blepharophimosis - intellectual disability syndrome, MKB type. Also called: X-Linked Ohdo Syndrome (XLOS); BLEPHAROPHIMOSIS-MENTAL RETARDATION SYNDROME, MAAT-KIEVIT-BRUNNER TYPE; Ohdo syndrome, X-linked. Identifiers: Orphanet 293707, MedGen C3698541, MONDO:0010477, OMIM 300895.
FG syndrome (FGS). Identifiers: MedGen C0220769, MONDO:0002010.

Allele frequency attached by ClinVar (database versions not stated): gnomAD exomes 0.00001.
gnomAD v4.1: 6 of 1,148,729 alleles (0.00052%); highest among the groups gnomAD compares: Non-Finnish European, 0.0007%; no homozygotes.

Submission:

Labcorp Genetics (formerly Invitae), Labcorp
Classification: Uncertain significance for FG syndrome. Last evaluated: 2023-05-10. Review status: criteria provided, single submitter. Criteria: Invitae Variant Classification Sherloc (09022015). Collection method: clinical testing. Allele origin: germline.
Comment: This sequence change replaces alanine, which is neutral and non-polar, with valine, which is neutral and non-polar, at codon 2124 of the MED12 protein (p.Ala2124Val). This variant is not present in population databases (gnomAD no frequency). This missense change has been observed in individual(s) with intellectual disability (PMID: 36271811). ClinVar contains an entry for this variant (Variation ID: 1904410). Advanced modeling of protein sequence and biophysical properties (such as structural, functional, and spatial information, amino acid conservation, physicochemical variation, residue mobility, and thermodynamic stability) performed at Invitae indicates that this missense variant is not expected to disrupt MED12 protein function. In summary, the available evidence is currently insufficient to determine the role of this variant in disease. Therefore, it has been classified as a Variant of Uncertain Significance. Algorithms developed to predict the effect of sequence changes on RNA splicing suggest that this variant may disrupt the consensus splice site.

Literature cited by the submitters: PubMed 36271811 (cited by Labcorp Genetics (formerly Invitae), Labcorp).

NM_005120.3(MED12):c.6371C>T (p.Ala2124Val)

Gene: MED12 (mediator complex subunit 12; plus strand). Cytogenetic location: Xq13.1.
Variant type: single nucleotide variant.
Coding change: c.6371C>T on transcript NM_005120.3 (MANE Select); coding-DNA position 6371, C replaced by T.
Protein change: p.Ala2124Val; replaces alanine 2124 with valine.
Molecular consequence: missense variant.
Genome position (GRCh38, 1-based): chrX:71,141,333, C>T. VCF-style: chrX-71141333-C-T. GRCh37 (hg19) VCF-style: chrX-70361183-C-T.
Other names: c.6371C>T (NM_005120.2); short protein forms A2124V.
Identifiers: ClinVar variation 1904410 (VCV001904410.6), dbSNP rs1319238587, ClinGen allele CA413542352.